The following is an entry in ClinVar:

NM_000016.6(ACADM):c.19C>T (p.Arg7Ter)

Gene: ACADM (acyl-CoA dehydrogenase medium chain; plus strand). Cytogenetic location: 1p31.1.
Variant type: single nucleotide variant.
Coding change: c.19C>T on transcript NM_000016.6 (MANE Select); coding-DNA position 19, C replaced by T.
Protein change: p.Arg7Ter; replaces arginine 7 with a stop codon.
Molecular consequence: nonsense. On other transcripts: 5 prime UTR variant (2).
Genome position (GRCh38, 1-based): chr1:75,724,806, C>T. VCF-style: chr1-75724806-C-T. GRCh37 (hg19) VCF-style: chr1-76190491-C-T.
Other names: c.19C>T, p.Arg7Ter (NM_001127328.3, NM_001286043.2); c.-2C>T (NM_001286042.2); c.-279C>T (NM_001286044.2); short protein forms R7*.
Identifiers: ClinVar variation 1677127 (VCV001677127.1), dbSNP rs1455996178, ClinGen allele CA340805685.

ClinVar aggregate classification (germline): Likely pathogenic (1 of 4 stars; one submission).

Conditions:
Medium-chain acyl-coenzyme A dehydrogenase deficiency (ACADMD). Also called: MCADD; MCAD Deficiency; Medium chain acyl-CoA dehydrogenase deficiency; ACADM DEFICIENCY; CARNITINE DEFICIENCY SECONDARY TO MEDIUM-CHAIN ACYL-CoA DEHYDROGENASE DEFICIENCY; MCADH DEFICIENCY. Identifiers: Orphanet 42, MedGen C0220710, MONDO:0008721, OMIM 201450.

Allele frequency attached by ClinVar (database versions not stated): gnomAD exomes below 0.00001.

Submission:

Women's Health and Genetics/Laboratory Corporation of America, LabCorp
Classification: Likely pathogenic for Medium-chain acyl-coenzyme A dehydrogenase deficiency. Last evaluated: 2022-03-18. Review status: criteria provided, single submitter. Criteria: LabCorp Variant Classification Summary - May 2015. Collection method: clinical testing. Allele origin: germline.
Comment: Variant summary: ACADM c.19C>T (p.Arg7X) results in a premature termination codon, predicted to cause a truncation of the encoded protein or absence of the protein due to nonsense mediated decay, which are commonly known mechanisms for disease. Truncations downstream of this position have been classified as pathogenic by our laboratory. The variant allele was found at a frequency of 5.5e-06 in 181620 control chromosomes. To our knowledge, no occurrence of c.19C>T in individuals affected with Medium Chain Acyl-CoA Dehydrogenase Deficiency and no experimental evidence demonstrating its impact on protein function have been reported. No clinical diagnostic laboratories have submitted clinical-significance assessments for this variant to ClinVar after 2014. Based on the evidence outlined above, the variant was classified as likely pathogenic.